The following is an entry in ClinVar:

ClinVar aggregate classification (germline): Uncertain significance (1 of 4 stars; one submission).

Conditions:
Pigmentary pallidal degeneration (NBIA1). Also called: HARP SYNDROME; Pantothenate Kinase-Associated Neurodegeneration; Neuroaxonal dystrophy, late infantile; Hallervorden-Spatz disease; PKAN NEUROAXONAL DYSTROPHY, JUVENILE-ONSET; Neurodegeneration with brain iron accumulation 1. Identifiers: Orphanet 157850, MedGen C0018523, MONDO:0009319, OMIM 234200.

gnomAD v4.1: 1 of 1,590,144 alleles (0.000063%); highest among the groups gnomAD compares: Non-Finnish European, 0.000085%; no homozygotes.

Submission:

Labcorp Genetics (formerly Invitae), Labcorp
Classification: Uncertain significance for Pigmentary pallidal degeneration. Last evaluated: 2022-03-03. Review status: criteria provided, single submitter. Criteria: Invitae Variant Classification Sherloc (09022015). Collection method: clinical testing. Allele origin: germline.
Comment: This sequence change replaces serine, which is neutral and polar, with phenylalanine, which is neutral and non-polar, at codon 189 of the PANK2 protein (p.Ser189Phe). This variant is not present in population databases (gnomAD no frequency). This variant has not been reported in the literature in individuals affected with PANK2-related conditions. Algorithms developed to predict the effect of missense changes on protein structure and function (SIFT, PolyPhen-2, Align-GVGD) all suggest that this variant is likely to be tolerated. In summary, the available evidence is currently insufficient to determine the role of this variant in disease. Therefore, it has been classified as a Variant of Uncertain Significance.

NM_001386393.1(PANK2):c.236C>T (p.Ser79Phe)

Genes: PANK2 (pantothenate kinase 2; plus strand), LOC130065345 (ATAC-STARR-seq lymphoblastoid silent region 12635; plus strand). Cytogenetic location: 20p13.
Variant type: single nucleotide variant.
Coding change: c.236C>T on transcript NM_001386393.1 (MANE Select); coding-DNA position 236, C replaced by T.
Protein change: p.Ser79Phe; replaces serine 79 with phenylalanine.
Molecular consequence: missense variant. On other transcripts: 5 prime UTR variant (1), non-coding transcript variant (1), intron variant (1).
Genome position (GRCh38, 1-based): chr20:3,889,666, C>T. VCF-style: chr20-3889666-C-T. GRCh37 (hg19) VCF-style: chr20-3870313-C-T.
Other names: c.-476C>T (NM_001324191.2); c.566C>T, p.Ser189Phe (NM_001324192.1, NM_153638.4); c.-246+762C>T (NM_024960.6); short protein forms S79F, S189F.
Identifiers: ClinVar variation 1967639 (VCV001967639.5), dbSNP rs2515425516, ClinGen allele CA408141956.